The following is an entry in ClinVar:

ClinVar aggregate classification (germline): Uncertain significance (1 of 4 stars; one submission).

Submission:

Labcorp Genetics (formerly Invitae), Labcorp
Classification: Uncertain significance. Last evaluated: 2025-06-12. Review status: criteria provided, single submitter. Criteria: Invitae Variant Classification Sherloc (09022015). Collection method: clinical testing. Allele origin: germline.
Comment: This sequence change replaces aspartic acid, which is acidic and polar, with asparagine, which is neutral and polar, at codon 749 of the KANK1 protein (p.Asp749Asn). This variant is not present in population databases (gnomAD no frequency). This variant has not been reported in the literature in individuals affected with KANK1-related conditions. ClinVar contains an entry for this variant (Variation ID: 3699514). Invitae Evidence Modeling of protein sequence and biophysical properties (such as structural, functional, and spatial information, amino acid conservation, physicochemical variation, residue mobility, and thermodynamic stability) indicates that this missense variant is not expected to disrupt KANK1 protein function with a negative predictive value of 80%. In summary, the available evidence is currently insufficient to determine the role of this variant in disease. Therefore, it has been classified as a Variant of Uncertain Significance.

NM_015158.5(KANK1):c.2245G>A (p.Asp749Asn)

Gene: KANK1 (KN motif and ankyrin repeat domains 1; plus strand). Cytogenetic location: 9p24.3.
Variant type: single nucleotide variant.
Coding change: c.2245G>A on transcript NM_015158.5 (MANE Select); coding-DNA position 2245, G replaced by A.
Protein change: p.Asp749Asn; replaces aspartic acid 749 with asparagine.
Molecular consequence: missense variant. On other transcripts: non-coding transcript variant (1).
Genome position (GRCh38, 1-based): chr9:713,011, G>A. VCF-style: chr9-713011-G-A. GRCh37 (hg19) VCF-style: chr9-713011-G-A.
Other names: c.2245G>A, p.Asp749Asn (NM_001256876.3, NM_001256877.3, NM_001354331.2 and 2 more transcripts); c.1771G>A, p.Asp591Asn (NM_001354333.2, NM_001354335.2, NM_001354336.2 and 9 more transcripts); short protein forms D749N, D591N.
Identifiers: ClinVar variation 3699514 (VCV003699514.2).